The following is an entry in ClinVar:

NM_000135.4(FANCA):c.1753C>T (p.Pro585Ser)

Gene: FANCA (FA complementation group A; minus strand). Cytogenetic location: 16q24.3.
Variant type: single nucleotide variant.
Coding change: c.1753C>T on transcript NM_000135.4 (MANE Select); coding-DNA position 1753, C replaced by T.
Protein change: p.Pro585Ser; replaces proline 585 with serine.
Molecular consequence: missense variant.
Genome position (GRCh38, 1-based): chr16:89,778,966, G>A on the plus strand (C>T on the coding strand, the complement: FANCA is on the minus strand). VCF-style: chr16-89778966-G-A. GRCh37 (hg19) VCF-style: chr16-89845374-G-A.
Other names: c.1753C>T, p.Pro585Ser (NM_001286167.3); short protein forms P585S.
Identifiers: ClinVar variation 884470 (VCV000884470.5), dbSNP rs2039611087, ClinGen allele CA397454801.
Genomic context (GRCh38, chr16:89,778,966, plus strand): 5'-CACAACTGGTCACAAACTCATGGAGACGCATACTGACCACTCGAGGTGTGAGCAGGGCGG[G>A]GAGGAAGTGGGACACGTAGTAAGGCCTCCTGAATATGCTGCAACACAGAGAAGCAGACAG-3'
Protein context (NP_000126.2, residues 575-595): RRPYYVSHFL[Pro585Ser]ALLTPRVLPK

ClinVar aggregate classification (germline): Uncertain significance. Review status: criteria provided, multiple submitters, no conflicts (2 of 4 stars). 2 submissions from 2 submitters: Uncertain significance (2). Last evaluated 2024-12-25.

Conditions:
Inborn genetic diseases. Identifiers: MedGen C0950123, MeSH D030342.
Fanconi anemia complementation group A (FANCA). Also called: Fanconi anemia, group A; FANCA-Related Fanconi Anemia. Identifiers: Orphanet 84, MedGen C3469521, MONDO:0009215, OMIM 227650.

Allele frequency attached by ClinVar (database versions not stated): gnomAD exomes below 0.00001.
gnomAD v4.1: 1 of 1,614,072 alleles (0.000062%); highest among the groups gnomAD compares: Non-Finnish European, 0.000085%; no homozygotes.

Submissions (2):

Ambry Genetics
Classification: Uncertain significance for Inborn genetic diseases. Last evaluated: 2024-12-25. Review status: criteria provided, single submitter. Criteria: Ambry Variant Classification Scheme 2023. Collection method: clinical testing. Allele origin: germline.
Comment: The p.P585S variant (also known as c.1753C>T), located in coding exon 19 of the FANCA gene, results from a C to T substitution at nucleotide position 1753. The proline at codon 585 is replaced by serine, an amino acid with similar properties. This amino acid position is conserved. In addition, this alteration is predicted to be deleterious by in silico analysis. Based on the available evidence, the clinical significance of this variant remains unclear.

Illumina Laboratory Services, Illumina
Classification: Uncertain significance for Fanconi anemia complementation group A. Last evaluated: 2017-04-27. Review status: criteria provided, single submitter. Criteria: ICSL Variant Classification Criteria 13 December 2019. Collection method: clinical testing. Allele origin: germline.